The following is an entry in ClinVar:

NM_000548.5(TSC2):c.3512C>T (p.Ala1171Val)

Gene: TSC2 (TSC complex subunit 2; plus strand). Cytogenetic location: 16p13.3.
Variant type: single nucleotide variant.
Coding change: c.3512C>T on transcript NM_000548.5 (MANE Select); coding-DNA position 3512, C replaced by T.
Protein change: p.Ala1171Val; replaces alanine 1171 with valine.
Molecular consequence: missense variant. On other transcripts: non-coding transcript variant (5).
Genome position (GRCh38, 1-based): chr16:2,080,279, C>T. VCF-style: chr16-2080279-C-T. GRCh37 (hg19) VCF-style: chr16-2130280-C-T.
Other names: c.3380C>T, p.Ala1127Val (NM_001077183.3, NM_001370404.1, NM_001406665.1); c.3512C>T, p.Ala1171Val (NM_001114382.3); c.3272C>T, p.Ala1091Val (NM_001318827.2); c.3236C>T, p.Ala1079Val (NM_001318829.2); c.2780C>T, p.Ala927Val (NM_001318831.2, NM_001406687.1, NM_001406688.1); c.3413C>T, p.Ala1138Val (NM_001318832.2); c.3383C>T, p.Ala1128Val (NM_001363528.2, NM_001370405.1, NM_021055.3); c.3509C>T, p.Ala1170Val (NM_001406663.1, NM_001406664.1); and 18 more; short protein forms A1078V, A1079V, A1090V, A1091V, A1108V, A1121V, A1122V, A1123V.
Identifiers: ClinVar variation 2672603 (VCV002672603.26), dbSNP rs2151459473, ClinGen allele CA394289284.

ClinVar aggregate classification (germline): Uncertain significance. Review status: criteria provided, multiple submitters, no conflicts (2 of 4 stars). 2 submissions from 2 submitters: Uncertain significance (2). Last evaluated 2023-11-01.

Conditions:
Tuberous sclerosis 2 (TSC2). Identifiers: Orphanet 805, MedGen C1860707, MONDO:0013199, OMIM 613254.

Submissions (2):

CeGaT Center for Human Genetics Tuebingen
Classification: Uncertain significance. Last evaluated: 2023-11-01. Review status: criteria provided, single submitter. Criteria: CeGaT Center For Human Genetics Tuebingen Variant Classification Criteria Version 2. Collection method: clinical testing. Allele origin: germline. Affected: yes. Observed: 1 variant allele.
Comment: TSC2: PM2

Labcorp Genetics (formerly Invitae), Labcorp
Classification: Uncertain significance for Tuberous sclerosis 2. Last evaluated: 2022-11-10. Review status: criteria provided, single submitter. Criteria: Invitae Variant Classification Sherloc (09022015). Collection method: clinical testing. Allele origin: germline.
Comment: In summary, the available evidence is currently insufficient to determine the role of this variant in disease. Therefore, it has been classified as a Variant of Uncertain Significance. Advanced modeling of protein sequence and biophysical properties (such as structural, functional, and spatial information, amino acid conservation, physicochemical variation, residue mobility, and thermodynamic stability) performed at Invitae indicates that this missense variant is not expected to disrupt TSC2 protein function. This variant has not been reported in the literature in individuals affected with TSC2-related conditions. This variant is not present in population databases (gnomAD no frequency). This sequence change replaces alanine, which is neutral and non-polar, with valine, which is neutral and non-polar, at codon 1171 of the TSC2 protein (p.Ala1171Val).